The following is an entry in ClinVar:

ClinVar aggregate classification (germline): Benign/Likely benign. Review status: criteria provided, multiple submitters, no conflicts (2 of 4 stars). 5 submissions from 5 submitters: Benign (3); Likely benign (2). Last evaluated 2026-01-31.

Conditions:
Neuromuscular disease caused by qualitative or quantitative defects of dysferlin. Also called: Dysferlinopathy; Qualitative or quantitative defects of dysferlin. Identifiers: Orphanet 207073, MedGen C2931687, MONDO:0016145.

Allele frequency attached by ClinVar (database versions not stated): gnomAD below 0.00001 and 0.00024; TOPMed 0.00003; gnomAD exomes 0.00070; ExAC 0.00073; 1000 Genomes Project 0.00080; 1000 Genomes Project 30x 0.00094.
gnomAD v4.1: 598 of 1,614,176 alleles (0.037%); highest among the groups gnomAD compares: South Asian, 0.62%; 11 homozygotes.

Submissions (5):

Labcorp Genetics (formerly Invitae), Labcorp
Classification: Benign for Neuromuscular disease caused by qualitative or quantitative defects of dysferlin. Last evaluated: 2026-01-31. Review status: criteria provided, single submitter. Criteria: Invitae Variant Classification Sherloc (09022015). Collection method: clinical testing. Allele origin: germline.

CeGaT Center for Human Genetics Tuebingen
Classification: Likely benign. Last evaluated: 2024-10-01. Review status: criteria provided, single submitter. Criteria: CeGaT Center For Human Genetics Tuebingen Variant Classification Criteria Version 2. Collection method: clinical testing. Allele origin: germline. Affected: yes. Observed: 1 variant allele.
Comment: DYSF: BP4, BS2

Athena Diagnostics
Classification: Benign. Last evaluated: 2021-06-02. Review status: criteria provided, single submitter. Criteria: Athena Diagnostics criteria. Collection method: clinical testing. Allele origin: unknown.

GeneDx
Classification: Likely benign. Last evaluated: 2019-03-04. Review status: criteria provided, single submitter. Criteria: GeneDx Variant Classification Process June 2021. Collection method: clinical testing. Allele origin: germline. Affected: yes.

Eurofins Ntd Llc (ga)
Classification: Benign. Last evaluated: 2016-10-05. Review status: criteria provided, single submitter. Criteria: EGL Classification Definitions 2015. Collection method: clinical testing. Allele origin: germline. Observed: 2 variant alleles, 2 heterozygotes.

NM_001130987.2(DYSF):c.2421C>T (p.Ser807=)

Gene: DYSF (dysferlin; plus strand). Cytogenetic location: 2p13.2.
Variant type: single nucleotide variant.
Coding change: c.2421C>T on transcript NM_001130987.2 (MANE Select); coding-DNA position 2421, C replaced by T.
Protein change: p.Ser807=; no amino-acid change (serine 807 retained).
Molecular consequence: synonymous variant.
Genome position (GRCh38, 1-based): chr2:71,564,069, C>T. VCF-style: chr2-71564069-C-T. GRCh37 (hg19) VCF-style: chr2-71791199-C-T.
Other names: c.2370C>T, p.Ser790= (NM_001130455.2, NM_001130983.2); c.2325C>T, p.Ser775= (NM_001130976.2, NM_001130977.2); c.2367C>T, p.Ser789= (NM_001130978.2, NM_003494.4); c.2460C>T, p.Ser820= (NM_001130979.2); c.2418C>T, p.Ser806= (NM_001130980.2, NM_001130981.2); c.2463C>T, p.Ser821= (NM_001130982.2); c.2328C>T, p.Ser776= (NM_001130984.2, NM_001130986.2); c.2421C>T, p.Ser807= (NM_001130985.2).
Identifiers: ClinVar variation 283092 (VCV000283092.31), dbSNP rs560856407, ClinGen allele CA1706173.
Genomic context (GRCh38, chr2:71,564,069, plus strand): 5'-TGGGCCTGGTGTGTCACCATCCCCACCCCGACCACCACCCTCTGTTCAGCCCCAGAACAG[C>T]CTGCCGGACATCGTCATCTGGATGCTGCAGGGAGACAAGCGTGTGGCATACCAGCGGGTG-3'
Protein context (NP_001124459.1, residues 797-817): LRALAEEPQN[Ser807=]LPDIVIWMLQ